The following is an entry in ClinVar:

ClinVar aggregate classification (germline): Benign. Review status: criteria provided, multiple submitters, no conflicts (2 of 4 stars). 4 submissions from 4 submitters: Benign (4). Last evaluated 2021-07-15.

Conditions:
Spermatogenic failure 43. Identifiers: MedGen C5231490, MONDO:0032898, OMIM 618751.

Allele frequency attached by ClinVar (database versions not stated): 1000 Genomes Project 0.44050; 1000 Genomes Project 30x 0.44503; gnomAD exomes 0.50025 and 0.53285; ExAC 0.50955; TOPMed 0.52527; gnomAD 0.53667 and 0.54517; ESP Exome Variant Server 0.56115.
gnomAD v4.1: 855,757 of 1,606,028 alleles (53%); highest among the groups gnomAD compares: Middle Eastern, 58%; 232,276 homozygotes.

Submissions (4):

Genome-Nilou Lab
Classification: Benign for Spermatogenic failure 43. Last evaluated: 2021-07-15. Review status: criteria provided, single submitter. Criteria: ACMG Guidelines, 2015. Collection method: clinical testing. Allele origin: germline. Affected: no.

GeneDx
Classification: Benign. Last evaluated: 2021-05-04. Review status: criteria provided, single submitter. Criteria: GeneDx Variant Classification Process June 2021. Collection method: clinical testing. Allele origin: germline. Affected: yes.

Laboratory for Molecular Medicine, Mass General Brigham Personalized Medicine
Classification: Benign. Last evaluated: 2016-03-29. Review status: criteria provided, single submitter. Criteria: LMM Criteria. Collection method: clinical testing. Allele origin: germline.
Comment: Variant identified in a genome or exome case(s) and assessed due to predicted null impact of the variant or pathogenic assertions in the literature or databases. Disclaimer: This variant has not undergone full assessment. The following are preliminary notes: Frequency

Breakthrough Genomics
Classification: Benign. Review status: criteria provided, single submitter. Criteria: ACMG Guidelines, 2015. Collection method: not provided. Allele origin: germline. Inheritance: Autosomal recessive inheritance. Affected: yes.

NM_024867.4(SPEF2):c.2142T>C (p.Asn714=)

Gene: SPEF2 (sperm flagellar 2; plus strand). Cytogenetic location: 5p13.2.
Variant type: single nucleotide variant.
Coding change: c.2142T>C on transcript NM_024867.4 (MANE Select); coding-DNA position 2142, T replaced by C.
Protein change: p.Asn714=; no amino-acid change (asparagine 714 retained).
Molecular consequence: synonymous variant.
Genome position (GRCh38, 1-based): chr5:35,700,496, T>C. VCF-style: chr5-35700496-T-C. GRCh37 (hg19) VCF-style: chr5-35700598-T-C.
Identifiers: ClinVar variation 403477 (VCV000403477.9), dbSNP rs6451206, ClinGen allele CA3230715.